The following is an entry in ClinVar:

NM_004336.5(BUB1):c.2661A>T (p.Lys887Asn)

Gene: BUB1 (BUB1 mitotic checkpoint serine/threonine kinase; minus strand). Cytogenetic location: 2q13.
Variant type: single nucleotide variant.
Coding change: c.2661A>T on transcript NM_004336.5 (MANE Select); coding-DNA position 2661, A replaced by T.
Protein change: p.Lys887Asn; replaces lysine 887 with asparagine.
Molecular consequence: missense variant. On other transcripts: intron variant (1).
Genome position (GRCh38, 1-based): chr2:110,641,429, T>A on the plus strand (A>T on the coding strand, the complement: BUB1 is on the minus strand). VCF-style: chr2-110641429-T-A. GRCh37 (hg19) VCF-style: chr2-111399006-T-A.
Other names: c.2601A>T, p.Lys867Asn (NM_001278616.2); c.2625+213A>T (NM_001278617.2); short protein forms K887N, K867N.
Identifiers: ClinVar variation 2593863 (VCV002593863.2), dbSNP rs2467971251, ClinGen allele CA348089896.

ClinVar aggregate classification (germline): Uncertain significance (1 of 4 stars; one submission).

Submission:

Ambry Genetics
Classification: Uncertain significance. Last evaluated: 2023-07-28. Review status: criteria provided, single submitter. Criteria: Ambry Variant Classification Scheme 2023. Collection method: clinical testing. Allele origin: germline.
Comment: The p.K887N variant (also known as c.2661A>T), located in coding exon 22 of the BUB1 gene, results from an A to T substitution at nucleotide position 2661. The lysine at codon 887 is replaced by asparagine, an amino acid with similar properties. This amino acid position is conserved. In addition, this alteration is predicted to be tolerated by in silico analysis. Since supporting evidence is limited at this time, the clinical significance of this alteration remains unclear.